The following is an entry in ClinVar:

ClinVar aggregate classification (germline): Uncertain significance (1 of 4 stars; one submission).

Conditions:
Early-infantile DEE. Also called: Early infantile epileptic encephalopathy; Ohtahara syndrome; Early infantile epileptic encephalopathy with suppression bursts. Identifiers: Orphanet 1934, MedGen C0393706, MONDO:0800491.

Submission:

Labcorp Genetics (formerly Invitae), Labcorp
Classification: Uncertain significance for Early-infantile DEE. Last evaluated: 2025-05-19. Review status: criteria provided, single submitter. Criteria: Invitae Variant Classification Sherloc (09022015). Collection method: clinical testing. Allele origin: germline.
Comment: This sequence change replaces leucine, which is neutral and non-polar, with isoleucine, which is neutral and non-polar, at codon 1819 of the SCN8A protein (p.Leu1819Ile). This variant is not present in population databases (gnomAD no frequency). This variant has not been reported in the literature in individuals affected with SCN8A-related conditions. ClinVar contains an entry for this variant (Variation ID: 3635215). Invitae Evidence Modeling of protein sequence and biophysical properties (such as structural, functional, and spatial information, amino acid conservation, physicochemical variation, residue mobility, and thermodynamic stability) indicates that this missense variant is expected to disrupt SCN8A protein function with a positive predictive value of 95%. In summary, the available evidence is currently insufficient to determine the role of this variant in disease. Therefore, it has been classified as a Variant of Uncertain Significance.

NM_001330260.2(SCN8A):c.5455C>A (p.Leu1819Ile)

Gene: SCN8A (sodium voltage-gated channel alpha subunit 8; plus strand). Cytogenetic location: 12q13.13.
Variant type: single nucleotide variant.
Coding change: c.5455C>A on transcript NM_001330260.2 (MANE Select); coding-DNA position 5455, C replaced by A.
Protein change: p.Leu1819Ile; replaces leucine 1819 with isoleucine.
Molecular consequence: missense variant.
Genome position (GRCh38, 1-based): chr12:51,806,941, C>A. VCF-style: chr12-51806941-C-A. GRCh37 (hg19) VCF-style: chr12-52200725-C-A.
Other names: c.5332C>A, p.Leu1778Ile (NM_001177984.3, NM_001369788.1); c.5455C>A, p.Leu1819Ile (NM_014191.4); short protein forms L1778I, L1819I.
Identifiers: ClinVar variation 3635215 (VCV003635215.2).